The following is an entry in ClinVar:

ClinVar aggregate classification (germline): Uncertain significance (1 of 4 stars; one submission).

Conditions:
Hereditary cancer-predisposing syndrome. Also called: Neoplastic Syndromes, Hereditary; Hereditary Cancer Syndrome; Tumor predisposition; Hereditary neoplastic syndrome. Identifiers: Orphanet 140162, MedGen C0027672, MeSH D009386, MONDO:0015356.

gnomAD v4.1: 1 of 1,614,116 alleles (0.000062%); highest among the groups gnomAD compares: Non-Finnish European, 0.000085%; no homozygotes.

Submission:

Ambry Genetics
Classification: Uncertain significance for Hereditary cancer-predisposing syndrome. Last evaluated: 2025-02-03. Review status: criteria provided, single submitter. Criteria: Ambry Variant Classification Scheme 2023. Collection method: clinical testing. Allele origin: germline.
Comment: The p.L985Q variant (also known as c.2954T>A), located in coding exon 18 of the RET gene, results from a T to A substitution at nucleotide position 2954. The leucine at codon 985 is replaced by glutamine, an amino acid with dissimilar properties. This amino acid position is conserved. In addition, this alteration is predicted to be deleterious by in silico analysis. Based on the available evidence, the clinical significance of this variant remains unclear.

NM_020975.6(RET):c.2954T>A (p.Leu985Gln)

Gene: RET (ret proto-oncogene; plus strand). Cytogenetic location: 10q11.21.
Variant type: single nucleotide variant.
Coding change: c.2954T>A on transcript NM_020975.6 (MANE Select); coding-DNA position 2954, T replaced by A.
Protein change: p.Leu985Gln; replaces leucine 985 with glutamine.
Molecular consequence: missense variant.
Genome position (GRCh38, 1-based): chr10:43,124,897, T>A. VCF-style: chr10-43124897-T-A. GRCh37 (hg19) VCF-style: chr10-43620345-T-A.
Other names: c.2192T>A, p.Leu731Gln (NM_001355216.2); c.2954T>A, p.Leu985Gln (NM_001406743.1, NM_001406744.1, NM_001406759.1 and 2 more transcripts); c.2825T>A, p.Leu942Gln (NM_001406761.1, NM_001406762.1, NM_001406764.1); c.2819T>A, p.Leu940Gln (NM_001406763.1, NM_001406765.1); c.2666T>A, p.Leu889Gln (NM_001406766.1, NM_001406767.1, NM_001406770.1); c.2690T>A, p.Leu897Gln (NM_001406768.1); c.2558T>A, p.Leu853Gln (NM_001406769.1, NM_001406772.1); c.2516T>A, p.Leu839Gln (NM_001406771.1, NM_001406773.1); and 10 more; short protein forms L550Q, L502Q, L743Q, L590Q, L641Q, L643Q, L646Q, L686Q.
Identifiers: ClinVar variation 3788337 (VCV003788337.1).